The following is an entry in ClinVar:

ClinVar aggregate classification (germline): Uncertain significance (1 of 4 stars; one submission).

Submission:

GeneDx
Classification: Uncertain significance. Last evaluated: 2025-07-26. Review status: criteria provided, single submitter. Criteria: GeneDx Variant Classification Process June 2021. Collection method: clinical testing. Allele origin: germline. Affected: yes.
Comment: Not observed at significant frequency in large population cohorts (gnomAD); In silico analysis suggests that this missense variant does not alter protein structure/function; Has not been previously published as pathogenic or benign to our knowledge

NM_020987.5(ANK3):c.11356T>G (p.Phe3786Val)

Gene: ANK3 (ankyrin 3; minus strand). Cytogenetic location: 10q21.2.
Variant type: single nucleotide variant.
Coding change: c.11356T>G on transcript NM_020987.5 (MANE Select); coding-DNA position 11356, T replaced by G.
Protein change: p.Phe3786Val; replaces phenylalanine 3786 with valine.
Molecular consequence: missense variant. On other transcripts: intron variant (4).
Genome position (GRCh38, 1-based): chr10:60,069,525, A>C on the plus strand (T>G on the coding strand, the complement: ANK3 is on the minus strand). VCF-style: chr10-60069525-A-C. GRCh37 (hg19) VCF-style: chr10-61829283-A-C.
Other names: c.4388-1516T>G (NM_001204403.2); c.4409-1516T>G (NM_001204404.2); c.4406-1516T>G (NM_001320874.2); c.1808-1516T>G (NM_001149.4); short protein forms F3786V.
Identifiers: ClinVar variation 4687093 (VCV004687093.1).
Genomic context (GRCh38, chr10:60,069,525, plus strand): 5'-TATTACTCATAATGTTATCTGTCTGTATAGTGGAAGAATCCAAATTGTTGTTGTTATTAA[A>C]GTTATCTTTTTGAAAATCATGTTTTTCATGGGGCCTAACGCCCATCTGGCTATTGGCTGT-3'
Protein context (NP_066267.2, residues 3776-3796): HEKHDFQKDN[Phe3786Val]NNNNNLDSST